The following is an entry in ClinVar:

ClinVar aggregate classification (germline): Benign. Review status: criteria provided, multiple submitters, no conflicts (2 of 4 stars). 4 submissions from 4 submitters: Benign (3). 1 of the submissions does not count toward it. Last evaluated 2021-05-04.

Conditions:
DNAH17-related disorder. Also called: DNAH17-related condition.

Allele frequency attached by ClinVar (database versions not stated): 1000 Genomes Project 0.14856; gnomAD exomes 0.15016 and 0.16334; 1000 Genomes Project 30x 0.15303; ExAC 0.15672; gnomAD 0.17295 and 0.17590; TOPMed 0.17806; ESP Exome Variant Server 0.19437.
gnomAD v4.1: 264,990 of 1,613,606 alleles (16%); highest among the groups gnomAD compares: African/African-American, 23%; 23,049 homozygotes.

Submissions (4):

GeneDx
Classification: Benign. Last evaluated: 2021-05-04. Review status: criteria provided, single submitter. Criteria: GeneDx Variant Classification Process June 2021. Collection method: clinical testing. Allele origin: germline. Affected: yes.

Laboratory for Molecular Medicine, Mass General Brigham Personalized Medicine
Classification: Benign. Last evaluated: 2016-03-29. Review status: criteria provided, single submitter. Criteria: LMM Criteria. Collection method: clinical testing. Allele origin: germline.
Comment: Variant identified in a genome or exome case(s) and assessed due to predicted null impact of the variant or pathogenic assertions in the literature or databases. Disclaimer: This variant has not undergone full assessment. The following are preliminary notes: Frequency

Breakthrough Genomics
Classification: Benign. Review status: criteria provided, single submitter. Criteria: ACMG Guidelines, 2015. Collection method: not provided. Allele origin: germline. Inheritance: Autosomal recessive inheritance. Affected: yes.

PreventionGenetics, part of Exact Sciences
Classification: Benign for DNAH17-related condition. Last evaluated: 2019-11-18. Review status: no assertion criteria provided. Collection method: clinical testing. Allele origin: germline. Not counted in ClinVar's aggregate classification.
Comment: This variant is classified as benign based on ACMG/AMP sequence variant interpretation guidelines (Richards et al. 2015 PMID: 25741868, with internal and published modifications).

NM_173628.4(DNAH17):c.13104G>A (p.Pro4368=)

Gene: DNAH17 (dynein axonemal heavy chain 17; minus strand). Cytogenetic location: 17q25.3.
Variant type: single nucleotide variant.
Coding change: c.13104G>A on transcript NM_173628.4 (MANE Select); coding-DNA position 13104, G replaced by A.
Protein change: p.Pro4368=; no amino-acid change (proline 4368 retained).
Molecular consequence: synonymous variant.
Genome position (GRCh38, 1-based): chr17:78,425,383, C>T on the plus strand (G>A on the coding strand, the complement: DNAH17 is on the minus strand). VCF-style: chr17-78425383-C-T. GRCh37 (hg19) VCF-style: chr17-76421464-C-T.
Identifiers: ClinVar variation 402670 (VCV000402670.10), dbSNP rs35422926, ClinGen allele CA8799650.
Genomic context (GRCh38, chr17:78,425,383, plus strand): 5'-AGACAGACAAGAGCCCTCCTTACCTTCCATGAAGAGTCCGTACACGTAGGAGCCCTCTCG[C>T]GGAGGAGCGGTCATGTCCTCTCGGTTTTTCTTGGTCACCTCGACAGACAGACACATCTTG-3'
Protein context (NP_775899.3, residues 4358-4378): KKNREDMTAP[Pro4368=]REGSYVYGLF